The following is an entry in ClinVar:

ClinVar aggregate classification (germline): Likely benign. Review status: criteria provided, multiple submitters, no conflicts (2 of 4 stars). 2 submissions from 2 submitters: Likely benign (2). Last evaluated 2024-06-09.

Conditions:
Cardiovascular phenotype. Identifiers: MedGen CN230736.

Allele frequency attached by ClinVar (database versions not stated): ExAC 0.00001; gnomAD exomes 0.00001.
gnomAD v4.1: 11 of 1,613,510 alleles (0.00068%); highest among the groups gnomAD compares: South Asian, 0.0044%; 1 homozygote.

Submissions (2):

Ambry Genetics
Classification: Likely benign for Cardiovascular phenotype. Last evaluated: 2024-06-09. Review status: criteria provided, single submitter. Criteria: Ambry Variant Classification Scheme 2023. Collection method: clinical testing. Allele origin: germline.

CeGaT Center for Human Genetics Tuebingen
Classification: Likely benign. Last evaluated: 2023-03-01. Review status: criteria provided, single submitter. Criteria: CeGaT Center For Human Genetics Tuebingen Variant Classification Criteria Version 2. Collection method: clinical testing. Allele origin: germline. Affected: yes. Observed: 1 variant allele.
Comment: TNXB: BP4, BP7

NM_001365276.2(TNXB):c.8676G>A (p.Gly2892=)

Gene: TNXB (tenascin XB; minus strand). Cytogenetic location: 6p21.33.
Variant type: single nucleotide variant.
Coding change: c.8676G>A on transcript NM_001365276.2 (MANE Select); coding-DNA position 8676, G replaced by A.
Protein change: p.Gly2892=; no amino-acid change (glycine 2892 retained).
Molecular consequence: synonymous variant.
Genome position (GRCh38, 1-based): chr6:32,053,503, C>T on the plus strand (G>A on the coding strand, the complement: TNXB is on the minus strand). VCF-style: chr6-32053503-C-T. GRCh37 (hg19) VCF-style: chr6-32021280-C-T.
Other names: c.8670G>A (NM_019105.6); c.8670G>A, p.Gly2890= (NM_019105.8).
Identifiers: ClinVar variation 2656443 (VCV002656443.25), dbSNP rs746922501, ClinGen allele CA3733776.